The following is an entry in ClinVar:

ClinVar aggregate classification (germline): Uncertain significance (1 of 4 stars; one submission).

gnomAD v4.1: 1 of 1,614,226 alleles (0.000062%); highest among the groups gnomAD compares: Non-Finnish European, 0.000085%; no homozygotes.

Submission:

Labcorp Genetics (formerly Invitae), Labcorp
Classification: Uncertain significance. Last evaluated: 2022-07-12. Review status: criteria provided, single submitter. Criteria: Invitae Variant Classification Sherloc (09022015). Collection method: clinical testing. Allele origin: germline.
Comment: This variant has not been reported in the literature in individuals affected with TRPM1-related conditions. ClinVar contains an entry for this variant (Variation ID: 1356550). Algorithms developed to predict the effect of missense changes on protein structure and function (SIFT, PolyPhen-2, Align-GVGD) all suggest that this variant is likely to be disruptive. Algorithms developed to predict the effect of sequence changes on RNA splicing suggest that this variant may create or strengthen a splice site. In summary, the available evidence is currently insufficient to determine the role of this variant in disease. Therefore, it has been classified as a Variant of Uncertain Significance. This variant is not present in population databases (gnomAD no frequency). This sequence change replaces alanine, which is neutral and non-polar, with aspartic acid, which is acidic and polar, at codon 285 of the TRPM1 protein (p.Ala285Asp).

NM_001252024.2(TRPM1):c.920C>A (p.Ala307Asp)

Gene: TRPM1 (transient receptor potential cation channel subfamily M member 1; minus strand). Cytogenetic location: 15q13.3.
Variant type: single nucleotide variant.
Coding change: c.920C>A on transcript NM_001252024.2 (MANE Select); coding-DNA position 920, C replaced by A.
Protein change: p.Ala307Asp; replaces alanine 307 with aspartic acid.
Molecular consequence: missense variant.
Genome position (GRCh38, 1-based): chr15:31,063,163, G>T on the plus strand (C>A on the coding strand, the complement: TRPM1 is on the minus strand). VCF-style: chr15-31063163-G-T. GRCh37 (hg19) VCF-style: chr15-31355366-G-T.
Other names: c.971C>A, p.Ala324Asp (NM_001252020.2); c.854C>A, p.Ala285Asp (NM_002420.6); short protein forms A324D, A285D, A307D.
Identifiers: ClinVar variation 1356550 (VCV001356550.8), dbSNP rs1318997965, ClinGen allele CA391528318.